The following is an entry in ClinVar:

ClinVar aggregate classification (germline): Uncertain significance (1 of 4 stars; one submission).

Conditions:
Spermatogenic failure 18. Identifiers: MedGen C4539783, MONDO:0054615, OMIM 617576.
Ciliary dyskinesia, primary, 37 (CILD37). Also called: CILIARY DYSKINESIA, PRIMARY, 37, WITH OR WITHOUT SITUS INVERSUS. Identifiers: MedGen C4539798, MONDO:0033204, OMIM 617577.

Allele frequency attached by ClinVar (database versions not stated): gnomAD exomes 0.00001 and 0.00002; gnomAD 0.00002; TOPMed 0.00003; ExAC 0.00005.

Submission:

Labcorp Genetics (formerly Invitae), Labcorp
Classification: Uncertain significance for Ciliary dyskinesia, primary, 37; Spermatogenic failure 18. Last evaluated: 2019-06-21. Review status: criteria provided, single submitter. Criteria: Invitae Variant Classification Sherloc (09022015). Collection method: clinical testing. Allele origin: germline.
Comment: In summary, the available evidence is currently insufficient to determine the role of this variant in disease. Therefore, it has been classified as a Variant of Uncertain Significance. Algorithms developed to predict the effect of missense changes on protein structure and function output the following: SIFT: "Tolerated"; PolyPhen-2: "Benign"; Align-GVGD: "Class C0". The valine amino acid residue is found in multiple mammalian species, suggesting that this missense change does not adversely affect protein function. These predictions have not been confirmed by published functional studies and their clinical significance is uncertain. This variant has not been reported in the literature in individuals with DNAH1-related conditions. This variant is present in population databases (rs751414629, ExAC 0.02%). This sequence change replaces methionine with valine at codon 370 of the DNAH1 protein (p.Met370Val). The methionine residue is weakly conserved and there is a small physicochemical difference between methionine and valine.

NM_015512.5(DNAH1):c.1108A>G (p.Met370Val)

Gene: DNAH1 (dynein axonemal heavy chain 1; plus strand). Cytogenetic location: 3p21.1.
Variant type: single nucleotide variant.
Coding change: c.1108A>G on transcript NM_015512.5 (MANE Select); coding-DNA position 1108, A replaced by G.
Protein change: p.Met370Val; replaces methionine 370 with valine.
Molecular consequence: missense variant.
Genome position (GRCh38, 1-based): chr3:52,332,216, A>G. VCF-style: chr3-52332216-A-G. GRCh37 (hg19) VCF-style: chr3-52366232-A-G.
Other names: short protein forms M370V.
Identifiers: ClinVar variation 943001 (VCV000943001.7), dbSNP rs751414629, ClinGen allele CA2432875.
Genomic context (GRCh38, chr3:52,332,216, plus strand): 5'-CAGGTCTGTCAGTACTGGGTGCCACGGATCCAGCTTCTCTTCTGCGCTGAGGACCCTTGC[A>G]TGTTCGCACAACGTGTGGTCCAGGCCAACGCCCTGCGCAAGAACACGGAAGCACTGCTGC-3'
Protein context (NP_056327.4, residues 360-380): QLLFCAEDPC[Met370Val]FAQRVVQANA